The following is an entry in ClinVar:

NM_024854.5(PYROXD1):c.1484T>C (p.Ile495Thr)

Gene: PYROXD1 (pyridine nucleotide-disulphide oxidoreductase domain 1; plus strand). Cytogenetic location: 12p12.1.
Variant type: single nucleotide variant.
Coding change: c.1484T>C on transcript NM_024854.5 (MANE Select); coding-DNA position 1484, T replaced by C.
Protein change: p.Ile495Thr; replaces isoleucine 495 with threonine.
Molecular consequence: missense variant.
Genome position (GRCh38, 1-based): chr12:21,468,735, T>C. VCF-style: chr12-21468735-T-C. GRCh37 (hg19) VCF-style: chr12-21621669-T-C.
Other names: c.1271T>C, p.Ile424Thr (NM_001350912.2); c.707T>C, p.Ile236Thr (NM_001350913.2); c.1484T>C (NM_024854.3); short protein forms I424T, I495T, I236T.
Identifiers: ClinVar variation 2192048 (VCV002192048.3), dbSNP rs370018142, ClinGen allele CA6478560.
Genomic context (GRCh38, chr12:21,468,735, plus strand): 5'-TCTTAAACCAAATGAATCTTTCATCATATGGAGAAGATCTGCTAGATCCAAATATTGATA[T>C]AGAAGATTATTTTGACTAAAAATGGAATTTCTTCAGGAATCATATAAAGTTCCAAATGAC-3'
Protein context (NP_079130.2, residues 485-500): GEDLLDPNID[Ile495Thr]EDYFD

ClinVar aggregate classification (germline): Uncertain significance. Review status: criteria provided, multiple submitters, no conflicts (2 of 4 stars). 2 submissions from 2 submitters: Uncertain significance (2). Last evaluated 2023-06-02.

Conditions:
Inborn genetic diseases. Identifiers: MedGen C0950123, MeSH D030342.

Allele frequency attached by ClinVar (database versions not stated): gnomAD exomes 0.00002; TOPMed 0.00002; ExAC 0.00003; gnomAD 0.00003; ESP Exome Variant Server 0.00015; 1000 Genomes Project 0.00020.
gnomAD v4.1: 27 of 1,606,560 alleles (0.0017%); highest among the groups gnomAD compares: Middle Eastern, 0.017%; no homozygotes.

Submissions (2):

Ambry Genetics
Classification: Uncertain significance for Inborn genetic diseases. Last evaluated: 2023-06-02. Review status: criteria provided, single submitter. Criteria: Ambry Variant Classification Scheme 2023. Collection method: clinical testing. Allele origin: germline.

Labcorp Genetics (formerly Invitae), Labcorp
Classification: Uncertain significance. Last evaluated: 2022-05-07. Review status: criteria provided, single submitter. Criteria: Invitae Variant Classification Sherloc (09022015). Collection method: clinical testing. Allele origin: germline.
Comment: This sequence change replaces isoleucine, which is neutral and non-polar, with threonine, which is neutral and polar, at codon 495 of the PYROXD1 protein (p.Ile495Thr). This variant is present in population databases (rs370018142, gnomAD 0.005%). This variant has not been reported in the literature in individuals affected with PYROXD1-related conditions. Algorithms developed to predict the effect of missense changes on protein structure and function are either unavailable or do not agree on the potential impact of this missense change (SIFT: "Deleterious"; PolyPhen-2: "Possibly Damaging"; Align-GVGD: "Class C0"). Algorithms developed to predict the effect of sequence changes on RNA splicing suggest that this variant may create or strengthen a splice site. In summary, the available evidence is currently insufficient to determine the role of this variant in disease. Therefore, it has been classified as a Variant of Uncertain Significance.